The following is an entry in ClinVar:

NM_001792.5(CDH2):c.1252G>A (p.Ala418Thr)

Gene: CDH2 (cadherin 2; minus strand). Cytogenetic location: 18q12.1.
Variant type: single nucleotide variant.
Coding change: c.1252G>A on transcript NM_001792.5 (MANE Select); coding-DNA position 1252, G replaced by A.
Protein change: p.Ala418Thr; replaces alanine 418 with threonine.
Molecular consequence: missense variant.
Genome position (GRCh38, 1-based): chr18:27,992,747, C>T on the plus strand (G>A on the coding strand, the complement: CDH2 is on the minus strand). VCF-style: chr18-27992747-C-T. GRCh37 (hg19) VCF-style: chr18-25572711-C-T.
Other names: c.1159G>A, p.Ala387Thr (NM_001308176.2); short protein forms A387T, A418T.
Identifiers: ClinVar variation 1761098 (VCV001761098.7), dbSNP rs200263846, ClinGen allele CA8923472.
Genomic context (GRCh38, chr18:27,992,747, plus strand): 5'-TTGGGTCGGTCTGGATGGCGAACCGTCCAGTAGGATCTCCGCCACTGATTCTGTACACTG[C>T]GTTCCAGGCTGGTGTATGGGGTTGATCCTTATCGGTCACAGTTAGATTAGCTACTATGAT-3'
Protein context (NP_001783.2, residues 408-428): KDQPHTPAWN[Ala418Thr]VYRISGGDPT

ClinVar aggregate classification (germline): Uncertain significance. Review status: criteria provided, multiple submitters, no conflicts (2 of 4 stars). 2 submissions from 2 submitters: Uncertain significance (2). Last evaluated 2025-08-17.

Conditions:
Inborn genetic diseases. Identifiers: MedGen C0950123, MeSH D030342.

Allele frequency attached by ClinVar (database versions not stated): gnomAD 0.00001; ExAC 0.00002; ESP Exome Variant Server 0.00008.
gnomAD v4.1: 21 of 1,613,728 alleles (0.0013%); highest among the groups gnomAD compares: Admixed American, 0.005%; no homozygotes.

Submissions (2):

Labcorp Genetics (formerly Invitae), Labcorp
Classification: Uncertain significance. Last evaluated: 2025-08-17. Review status: criteria provided, single submitter. Criteria: Invitae Variant Classification Sherloc (09022015). Collection method: clinical testing. Allele origin: germline.
Comment: This sequence change replaces alanine, which is neutral and non-polar, with threonine, which is neutral and polar, at codon 418 of the CDH2 protein (p.Ala418Thr). This variant is present in population databases (rs200263846, gnomAD 0.007%). This variant has not been reported in the literature in individuals affected with CDH2-related conditions. ClinVar contains an entry for this variant (Variation ID: 1761098). An algorithm developed to predict the effect of missense changes on protein structure and function (PolyPhen-2) suggests that this variant is likely to be disruptive. In summary, the available evidence is currently insufficient to determine the role of this variant in disease. Therefore, it has been classified as a Variant of Uncertain Significance.

Ambry Genetics
Classification: Uncertain significance for Inborn genetic diseases. Last evaluated: 2023-10-02. Review status: criteria provided, single submitter. Criteria: Ambry Variant Classification Scheme 2023. Collection method: clinical testing. Allele origin: germline.
Comment: The p.A418T variant (also known as c.1252G>A), located in coding exon 9 of the CDH2 gene, results from a G to A substitution at nucleotide position 1252. The alanine at codon 418 is replaced by threonine, an amino acid with similar properties. This amino acid position is conserved. In addition, the in silico prediction for this alteration is inconclusive. Since supporting evidence is limited at this time, the clinical significance of this alteration remains unclear.